The following is an entry in ClinVar:

NM_002180.3(IGHMBP2):c.2869A>G (p.Lys957Glu)

Gene: IGHMBP2 (immunoglobulin mu DNA binding protein 2; plus strand). Cytogenetic location: 11q13.3.
Variant type: single nucleotide variant.
Coding change: c.2869A>G on transcript NM_002180.3 (MANE Select); coding-DNA position 2869, A replaced by G.
Protein change: p.Lys957Glu; replaces lysine 957 with glutamic acid.
Molecular consequence: missense variant.
Genome position (GRCh38, 1-based): chr11:68,939,618, A>G. VCF-style: chr11-68939618-A-G. GRCh37 (hg19) VCF-style: chr11-68707086-A-G.
Other names: p.Lys957Glu; short protein forms K957E.
Identifiers: ClinVar variation 424987 (VCV000424987.55), dbSNP rs370985388, ClinGen allele CA6154047.

ClinVar aggregate classification (germline): Conflicting classifications of pathogenicity. Review status: criteria provided, conflicting classifications (1 of 4 stars). 5 submissions from 5 submitters: Uncertain significance (4); Likely benign (1). Last evaluated 2025-12-23.

Conditions:
Autosomal recessive distal spinal muscular atrophy 1. Also called: NEURONOPATHY, SEVERE INFANTILE AXONAL, WITH RESPIRATORY FAILURE; SEVERE INFANTILE AXONAL NEUROPATHY WITH RESPIRATORY FAILURE; SPINAL MUSCULAR ATROPHY, DIAPHRAGMATIC; Spinal muscular atrophy with respiratory distress 1; NEURONOPATHY, DISTAL HEREDITARY MOTOR, HARDING TYPE VI; NEUROPATHY, DISTAL HEREDITARY MOTOR, AUTOSOMAL RECESSIVE 1. Identifiers: Orphanet 98920, MedGen C1858517, MONDO:0011436, OMIM 604320.
Charcot-Marie-Tooth disease axonal type 2S. Also called: CHARCOT-MARIE-TOOTH NEUROPATHY, TYPE 2S; CHARCOT-MARIE-TOOTH DISEASE, AXONAL, AUTOSOMAL RECESSIVE, TYPE 2S. Identifiers: Orphanet 443073, MedGen C4015349, MONDO:0014511, OMIM 616155.
Inborn genetic diseases. Identifiers: MedGen C0950123, MeSH D030342.
Charcot-Marie-Tooth disease. Also called: Charcot-Marie-Tooth Hereditary Neuropathy; Charcot-Marie-Tooth Neuropathy. Identifiers: Orphanet 166, MedGen C0007959, MONDO:0015626.

Allele frequency attached by ClinVar (database versions not stated): gnomAD exomes 0.00012 and 0.00013; 1000 Genomes Project 30x 0.00016; 1000 Genomes Project 0.00020; ExAC 0.00020; ESP Exome Variant Server 0.00023; gnomAD 0.00005 and 0.00009; TOPMed 0.00005.
gnomAD v4.1: 188 of 1,613,548 alleles (0.012%); highest among the groups gnomAD compares: South Asian, 0.076%; no homozygotes.

Submissions (5):

Labcorp Genetics (formerly Invitae), Labcorp
Classification: Likely benign for Autosomal recessive distal spinal muscular atrophy 1; Charcot-Marie-Tooth disease axonal type 2S. Last evaluated: 2025-12-23. Review status: criteria provided, single submitter. Criteria: Invitae Variant Classification Sherloc (09022015). Collection method: clinical testing. Allele origin: germline.

Mayo Clinic Laboratories, Mayo Clinic
Classification: Uncertain significance. Last evaluated: 2025-08-07. Review status: criteria provided, single submitter. Criteria: ACMG Guidelines, 2015. Collection method: clinical testing. Allele origin: germline. Observed: 1 variant allele.

Ambry Genetics
Classification: Uncertain significance for Inborn genetic diseases. Last evaluated: 2022-08-18. Review status: criteria provided, single submitter. Criteria: Ambry Variant Classification Scheme 2023. Collection method: clinical testing. Allele origin: germline.
Comment: The p.K957E variant (also known as c.2869A>G), located in coding exon 15 of the IGHMBP2 gene, results from an A to G substitution at nucleotide position 2869. The lysine at codon 957 is replaced by glutamic acid, an amino acid with similar properties. This amino acid position is well conserved in available vertebrate species. In addition, the in silico prediction for this alteration is inconclusive. Since supporting evidence is limited at this time, the clinical significance of this alteration remains unclear.

CeGaT Center for Human Genetics Tuebingen
Classification: Uncertain significance. Last evaluated: 2020-02-01. Review status: criteria provided, single submitter. Criteria: CeGaT Center For Human Genetics Tuebingen Variant Classification Criteria Version 2. Collection method: clinical testing. Allele origin: germline. Affected: yes. Observed: 3 variant alleles.

Molecular Genetics Laboratory, London Health Sciences Centre
Classification: Uncertain significance for Charcot-Marie-Tooth disease. Review status: criteria provided, single submitter. Criteria: ACMG Guidelines, 2015. Collection method: clinical testing. Allele origin: germline. Affected: yes.

Literature cited by the submitters: PubMed 32376792 (cited by Mayo Clinic Laboratories, Mayo Clinic).